The following is an entry in ClinVar:

ClinVar aggregate classification (germline): Uncertain significance. Review status: criteria provided, multiple submitters, no conflicts (2 of 4 stars). 2 submissions from 2 submitters: Uncertain significance (2). Last evaluated 2025-05-21.

Conditions:
ALS2-related disorder. Also called: ALS2-Related Spectrum Disorders; ALS2-related disorders; ALS2-related condition. Identifiers: MedGen CN169291.
Infantile-onset ascending hereditary spastic paralysis (IAHSP). Also called: Infantile-Onset Ascending Hereditary Spastic Paralysis (IAHSP); Autosomal Recessive Juvenile Amyotrophic Lateral Sclerosis. Identifiers: Orphanet 293168, MedGen C2931441, MONDO:0011797, OMIM 607225. Disease mechanism: loss of function.

Allele frequency attached by ClinVar (database versions not stated): gnomAD exomes below 0.00001; ExAC 0.00001; gnomAD 0.00002; TOPMed 0.00002; ESP Exome Variant Server 0.00008.
gnomAD v4.1: 9 of 1,605,164 alleles (0.00056%); highest among the groups gnomAD compares: African/African-American, 0.0027%; no homozygotes.

Submissions (2):

PreventionGenetics, part of Exact Sciences
Classification: Uncertain significance for ALS2-related condition. Last evaluated: 2025-05-21. Review status: criteria provided, single submitter. Criteria: ACMG Guidelines, 2015. Collection method: clinical testing. Allele origin: germline.
Comment: The ALS2 c.3617A>C variant is predicted to result in the amino acid substitution p.Lys1206Thr. To our knowledge, this variant has not been reported in the literature. This variant is reported in 0.0016% of alleles in individuals of European (Non-Finnish) descent in gnomAD. At this time, the clinical significance of this variant is uncertain due to the absence of conclusive functional and genetic evidence.

Labcorp Genetics (formerly Invitae), Labcorp
Classification: Uncertain significance for Infantile-onset ascending hereditary spastic paralysis. Last evaluated: 2025-03-15. Review status: criteria provided, single submitter. Criteria: Invitae Variant Classification Sherloc (09022015). Collection method: clinical testing. Allele origin: germline.
Comment: This sequence change replaces lysine, which is basic and polar, with threonine, which is neutral and polar, at codon 1206 of the ALS2 protein (p.Lys1206Thr). This variant is present in population databases (rs376031467, gnomAD 0.007%). This variant has not been reported in the literature in individuals affected with ALS2-related conditions. ClinVar contains an entry for this variant (Variation ID: 1441848). Invitae Evidence Modeling of protein sequence and biophysical properties (such as structural, functional, and spatial information, amino acid conservation, physicochemical variation, residue mobility, and thermodynamic stability) has been performed for this missense variant. However, the output from this modeling did not meet the statistical confidence thresholds required to predict the impact of this variant on ALS2 protein function. In summary, the available evidence is currently insufficient to determine the role of this variant in disease. Therefore, it has been classified as a Variant of Uncertain Significance.

NM_020919.4(ALS2):c.3617A>C (p.Lys1206Thr)

Gene: ALS2 (alsin Rho guanine nucleotide exchange factor ALS2; minus strand). Cytogenetic location: 2q33.1.
Variant type: single nucleotide variant.
Coding change: c.3617A>C on transcript NM_020919.4 (MANE Select); coding-DNA position 3617, A replaced by C.
Protein change: p.Lys1206Thr; replaces lysine 1206 with threonine.
Molecular consequence: missense variant.
Genome position (GRCh38, 1-based): chr2:201,723,337, T>G on the plus strand (A>C on the coding strand, the complement: ALS2 is on the minus strand). VCF-style: chr2-201723337-T-G. GRCh37 (hg19) VCF-style: chr2-202588060-T-G.
Other names: c.3617A>C (NM_020919.3); short protein forms K1206T.
Identifiers: ClinVar variation 1441848 (VCV001441848.9), dbSNP rs376031467, ClinGen allele CA2057827.
Genomic context (GRCh38, chr2:201,723,337, plus strand): 5'-GACAAAGGAGCTTTAAAAAGTTAGTAATAACTACATGCAAATATTCCACTCACCATCATT[T>G]TATTAAGGTGAAAGTTGCCCTCGTAGTATAATCCAAACTGGGTAACCACCACACCATTCC-3'
Protein context (NP_065970.2, residues 1196-1216): LYYEGNFHLN[Lys1206Thr]MMGNGVLLSE